The following is an entry in ClinVar:

NM_000358.3(TGFBI):c.1620T>C (p.Phe540=)

Gene: TGFBI (transforming growth factor beta induced; plus strand). Cytogenetic location: 5q31.1.
Variant type: single nucleotide variant.
Coding change: c.1620T>C on transcript NM_000358.3 (MANE Select); coding-DNA position 1620, T replaced by C.
Protein change: p.Phe540=; no amino-acid change (phenylalanine 540 retained).
Molecular consequence: synonymous variant.
Genome position (GRCh38, 1-based): chr5:136,056,737, T>C. VCF-style: chr5-136056737-T-C. GRCh37 (hg19) VCF-style: chr5-135392426-T-C.
Identifiers: ClinVar variation 255937 (VCV000255937.13), dbSNP rs4669, ClinGen allele CA3420468.

ClinVar aggregate classification (germline): Benign. Review status: criteria provided, multiple submitters, no conflicts (2 of 4 stars). 3 submissions from 3 submitters: Benign (3). Last evaluated 2026-02-01.

Conditions:
Corneal dystrophy. Identifiers: Orphanet 34533, MedGen C0010036, MONDO:0018102, HP:0001131.

Allele frequency attached by ClinVar (database versions not stated): 1000 Genomes Project 0.42053; 1000 Genomes Project 30x 0.42817; gnomAD exomes 0.32630; ExAC 0.33120; ESP Exome Variant Server 0.37555; gnomAD 0.38176 and 0.38557; TOPMed 0.39624.
gnomAD v4.1: 483,033 of 1,613,520 alleles (30%); highest among the groups gnomAD compares: African/African-American, 63%; 77,797 homozygotes.

Submissions (3):

Labcorp Genetics (formerly Invitae), Labcorp
Classification: Benign. Last evaluated: 2026-02-01. Review status: criteria provided, single submitter. Criteria: Invitae Variant Classification Sherloc (09022015). Collection method: clinical testing. Allele origin: germline.

Illumina Laboratory Services, Illumina
Classification: Benign for Corneal dystrophy. Last evaluated: 2018-01-13. Review status: criteria provided, single submitter. Criteria: ICSL Variant Classification Criteria 13 December 2019. Collection method: clinical testing. Allele origin: germline.
Comment: This variant was observed in the ICSL laboratory as part of a predisposition screen in an ostensibly healthy population. It had not been previously curated by ICSL or reported in the Human Gene Mutation Database (HGMD: prior to June 1st, 2018), and was therefore a candidate for classification through an automated scoring system. Utilizing variant allele frequency, disease prevalence and penetrance estimates, and inheritance mode, an automated score was calculated to assess if this variant is too frequent to cause the disease. Based on the score and internal cut-off values, a variant classified as benign is not then subjected to further curation. The score for this variant resulted in a classification of benign for this disease.

PreventionGenetics, part of Exact Sciences
Classification: Benign. Review status: criteria provided, single submitter. Criteria: ACMG Guidelines, 2015. Collection method: clinical testing. Allele origin: germline.